The following is an entry in ClinVar:

ClinVar aggregate classification (germline): Uncertain significance (1 of 4 stars; one submission).

Conditions:
Ataxia-telangiectasia syndrome (AT). Also called: Ataxia-telangiectasia, complementation group D; AT, COMPLEMENTATION GROUP C; Ataxia-telangiectasia; Ataxia telangiectasia (A-T); Ataxia-telangiectasia, complementation group E; Cerebello-oculocutaneous telangiectasia. Identifiers: Orphanet 100, MedGen C0004135, MONDO:0008840, OMIM 208900.

Submission:

Labcorp Genetics (formerly Invitae), Labcorp
Classification: Uncertain significance for Ataxia-telangiectasia syndrome. Last evaluated: 2022-03-09. Review status: criteria provided, single submitter. Criteria: Invitae Variant Classification Sherloc (09022015). Collection method: clinical testing. Allele origin: germline.
Comment: This variant is not present in population databases (gnomAD no frequency). This sequence change replaces aspartic acid, which is acidic and polar, with asparagine, which is neutral and polar, at codon 814 of the ATM protein (p.Asp814Asn). This variant has not been reported in the literature in individuals affected with ATM-related conditions. In summary, the available evidence is currently insufficient to determine the role of this variant in disease. Therefore, it has been classified as a Variant of Uncertain Significance. Advanced modeling of protein sequence and biophysical properties (such as structural, functional, and spatial information, amino acid conservation, physicochemical variation, residue mobility, and thermodynamic stability) performed at Invitae indicates that this missense variant is not expected to disrupt ATM protein function.

NM_000051.4(ATM):c.2440G>A (p.Asp814Asn)

Gene: ATM (ATM serine/threonine kinase; plus strand). Cytogenetic location: 11q22.3.
Variant type: single nucleotide variant.
Coding change: c.2440G>A on transcript NM_000051.4 (MANE Select); coding-DNA position 2440, G replaced by A.
Protein change: p.Asp814Asn; replaces aspartic acid 814 with asparagine.
Molecular consequence: missense variant.
Genome position (GRCh38, 1-based): chr11:108,259,049, G>A. VCF-style: chr11-108259049-G-A. GRCh37 (hg19) VCF-style: chr11-108129776-G-A.
Other names: c.2440G>A, p.Asp814Asn (NM_001351834.2); short protein forms D814N.
Identifiers: ClinVar variation 1401898 (VCV001401898.8), dbSNP rs2135421927, ClinGen allele CA382541327.